The following is an entry in ClinVar:

ClinVar aggregate classification (germline): Likely benign (1 of 4 stars; one submission).

gnomAD v4.1: 142 of 1,558,096 alleles (0.0091%); highest among the groups gnomAD compares: Admixed American, 0.017%; no homozygotes.

Submission:

CeGaT Center for Human Genetics Tuebingen
Classification: Likely benign. Last evaluated: 2025-11-01. Review status: criteria provided, single submitter. Criteria: CeGaT Center For Human Genetics Tuebingen Variant Classification Criteria Version 2. Collection method: clinical testing. Allele origin: germline. Affected: yes. Observed: 1 variant allele.
Comment: RERE: BP4, BP7

NM_001042681.2(RERE):c.3219G>A (p.Ala1073=)

Gene: RERE (arginine-glutamic acid dipeptide repeats; minus strand). Cytogenetic location: 1p36.23.
Variant type: single nucleotide variant.
Coding change: c.3219G>A on transcript NM_001042681.2 (MANE Select); coding-DNA position 3219, G replaced by A.
Protein change: p.Ala1073=; no amino-acid change (alanine 1073 retained).
Molecular consequence: synonymous variant.
Genome position (GRCh38, 1-based): chr1:8,360,288, C>T on the plus strand (G>A on the coding strand, the complement: RERE is on the minus strand). VCF-style: chr1-8360288-C-T. GRCh37 (hg19) VCF-style: chr1-8420348-C-T.
Other names: c.1557G>A, p.Ala519= (NM_001042682.2); c.3219G>A, p.Ala1073= (NM_012102.4).
Identifiers: ClinVar variation 4681446 (VCV004681446.5).